The following is an entry in ClinVar:

NM_005718.5(ARPC4):c.211C>T (p.Arg71Trp)

Genes: ARPC4 (actin related protein 2/3 complex subunit 4; plus strand), ARPC4-TTLL3 (ARPC4-TTLL3 readthrough; plus strand). Cytogenetic location: 3p25.3.
Variant type: single nucleotide variant.
Coding change: c.211C>T on transcript NM_005718.5 (MANE Select); coding-DNA position 211, C replaced by T.
Protein change: p.Arg71Trp; replaces arginine 71 with tryptophan.
Molecular consequence: missense variant. On other transcripts: 5 prime UTR variant (2).
Genome position (GRCh38, 1-based): chr3:9,800,273, C>T. VCF-style: chr3-9800273-C-T. GRCh37 (hg19) VCF-style: chr3-9841957-C-T.
Other names: c.211C>T, p.Arg71Trp (NM_001198793.1); c.-60C>T (NM_001024959.3, NM_001024960.3); c.268C>T, p.Arg90Trp (NM_001198780.3); short protein forms R71W, R90W.
Identifiers: ClinVar variation 3360238 (VCV003360238.2).

ClinVar aggregate classification (germline): Uncertain significance (1 of 4 stars; one submission).

Submission:

GeneDx
Classification: Uncertain significance. Last evaluated: 2025-08-03. Review status: criteria provided, single submitter. Criteria: GeneDx Variant Classification Process June 2021. Collection method: clinical testing. Allele origin: germline.
Comment: Not observed at significant frequency in large population cohorts (gnomAD); In silico analysis supports that this missense variant has a deleterious effect on protein structure/function; Has not been previously published as pathogenic or benign to our knowledge